The following is an entry in ClinVar:

ClinVar aggregate classification (germline): Uncertain significance (1 of 4 stars; one submission).

Conditions:
Familial meningioma. Also called: Meningioma, familial, susceptibility to. Identifiers: Orphanet 263662, MedGen C3551915, MONDO:0011789, OMIM 607174.

gnomAD v4.1: 54 of 1,612,808 alleles (0.0033%); highest among the groups gnomAD compares: Non-Finnish European, 0.0042%; no homozygotes.

Submission:

Dr. Guy Rouleau's laboratory, McGill University
Classification: Uncertain significance for Familial meningioma. Last evaluated: 2025-03-22. Review status: criteria provided, single submitter. Criteria: ACMG Guidelines, 2015. Collection method: research. Allele origin: germline. Affected: yes.
Comment: This missense variant located at the position 9, is change from Proline (P) known for its rigid ring structure to Leucine (L) neutral and nonpolar amino acid in RARA gene. This variant has been reported in population database (gnomAD v2.1.1 allele frequency =0.000007130, coverage exome 53X). Based on the available evidence, the clinical significance of this variant is unknown.

NM_000964.4(RARA):c.26C>T (p.Pro9Leu)

Gene: RARA (retinoic acid receptor alpha; plus strand). Cytogenetic location: 17q21.2.
Variant type: single nucleotide variant.
Coding change: c.26C>T on transcript NM_000964.4 (MANE Select); coding-DNA position 26, C replaced by T.
Protein change: p.Pro9Leu; replaces proline 9 with leucine.
Molecular consequence: missense variant.
Genome position (GRCh38, 1-based): chr17:40,331,244, C>T. VCF-style: chr17-40331244-C-T. GRCh37 (hg19) VCF-style: chr17-38487496-C-T.
Other names: c.26C>T, p.Pro9Leu (NM_001145301.3, NM_001145302.3); short protein forms P9L.
Identifiers: ClinVar variation 3774543 (VCV003774543.1).